The following is an entry in ClinVar:

NM_002113.3(CFHR1):c.310C>T (p.His104Tyr)

Gene: CFHR1 (complement factor H related 1; plus strand). Cytogenetic location: 1q31.3.
Variant type: single nucleotide variant.
Coding change: c.310C>T on transcript NM_002113.3 (MANE Select); coding-DNA position 310, C replaced by T.
Protein change: p.His104Tyr; replaces histidine 104 with tyrosine.
Molecular consequence: missense variant. On other transcripts: intron variant (1).
Genome position (GRCh38, 1-based): chr1:196,826,885, C>T. VCF-style: chr1-196826885-C-T. GRCh37 (hg19) VCF-style: chr1-196796015-C-T.
Other names: c.259C>T, p.His87Tyr (NM_001379306.1); c.148C>T, p.His50Tyr (NM_001379307.1); c.145C>T, p.His49Tyr (NM_001379308.1); c.142C>T, p.His48Tyr (NM_001379309.1); c.115C>T, p.His39Tyr (NM_001379310.1); c.67C>T, p.His23Tyr (NM_001379312.1); c.254-1212C>T (NM_001379311.1); short protein forms H104Y, H49Y, H23Y, H50Y, H87Y, H39Y, H48Y.
Identifiers: ClinVar variation 2514762 (VCV002514762.4), dbSNP rs145063408, ClinGen allele CA1306441.

ClinVar aggregate classification (germline): Conflicting classifications of pathogenicity. Review status: criteria provided, conflicting classifications (1 of 4 stars). 2 submissions from 2 submitters: Uncertain significance (1); Likely benign (1). Last evaluated 2025-11-13.

Allele frequency attached by ClinVar (database versions not stated): gnomAD exomes 0.00002; ESP Exome Variant Server 0.00025; 1000 Genomes Project 0.00020; 1000 Genomes Project 30x 0.00016; gnomAD 0.00023; ExAC 0.00010.

Submissions (2):

Ambry Genetics
Classification: Uncertain significance. Last evaluated: 2025-11-13. Review status: criteria provided, single submitter. Criteria: Ambry Variant Classification Scheme 2023. Collection method: clinical testing. Allele origin: germline.

Women's Health and Genetics/Laboratory Corporation of America, LabCorp
Classification: Likely benign. Last evaluated: 2024-01-18. Review status: criteria provided, single submitter. Criteria: LabCorp Variant Classification Summary - May 2015. Collection method: clinical testing. Allele origin: germline.
Comment: Variant summary: CFHR1 c.310C>T (p.His104Tyr) results in a conservative amino acid change located in the Sushi/SCR/CCP domain (IPR000436) of the encoded protein sequence. Five of five in-silico tools predict a benign effect of the variant on protein function. The variant allele was found at a frequency of 4.7e-05 in 1525340 control chromosomes, predominantly at a frequency of 0.0006 within the African or African-American subpopulation in the gnomAD database (v4.0.0), including 8 homozygotes. The observed variant frequency within African or African-American control individuals in the gnomAD database is approximately 4 fold of the estimated maximal expected allele frequency for a pathogenic variant in CFHR1 causing Genetic Atypical Hemolytic Uremic Syndrome phenotype (0.00016), strongly suggesting that the variant is a benign polymorphism found primarily in populations of African or African-American origin. To our knowledge, no occurrence of c.310C>T in individuals affected with Genetic Atypical Hemolytic Uremic Syndrome and no experimental evidence demonstrating its impact on protein function have been reported. ClinVar contains an entry for this variant (Variation ID: 2514762). Based on the evidence outlined above, the variant was classified as likely benign.